The following is an entry in ClinVar:

ClinVar aggregate classification (germline): Conflicting classifications of pathogenicity. Review status: criteria provided, conflicting classifications (1 of 4 stars). 3 submissions from 3 submitters: Uncertain significance (2); Likely benign (1). Last evaluated 2025-08-06.

Conditions:
BAP1-related tumor predisposition syndrome (TPDS1). Also called: COMMON Syndrome; Tumor susceptibility linked to germline BAP1 mutations; TUMOR PREDISPOSITION SYNDROME 1; BAP1 tumor predisposition syndrome. Identifiers: Orphanet 289539, MedGen C3280492, MONDO:0013692, OMIM 614327.
Hereditary cancer-predisposing syndrome. Also called: Neoplastic Syndromes, Hereditary; Hereditary Cancer Syndrome; Tumor predisposition; Hereditary neoplastic syndrome. Identifiers: Orphanet 140162, MedGen C0027672, MeSH D009386, MONDO:0015356.

Allele frequency attached by ClinVar (database versions not stated): gnomAD exomes below 0.00001; TOPMed below 0.00001; gnomAD 0.00001.

Submissions (3):

Ambry Genetics
Classification: Likely benign for Hereditary cancer-predisposing syndrome. Last evaluated: 2025-08-06. Review status: criteria provided, single submitter. Criteria: Ambry Variant Classification Scheme 2023. Collection method: clinical testing. Allele origin: germline.

Labcorp Genetics (formerly Invitae), Labcorp
Classification: Uncertain significance for BAP1-related tumor predisposition syndrome. Last evaluated: 2024-12-12. Review status: criteria provided, single submitter. Criteria: Invitae Variant Classification Sherloc (09022015). Collection method: clinical testing. Allele origin: germline.
Comment: This sequence change replaces arginine, which is basic and polar, with glutamine, which is neutral and polar, at codon 356 of the BAP1 protein (p.Arg356Gln). This variant is present in population databases (no rsID available, gnomAD 0.004%). This variant has not been reported in the literature in individuals affected with BAP1-related conditions. ClinVar contains an entry for this variant (Variation ID: 854934). Invitae Evidence Modeling of protein sequence and biophysical properties (such as structural, functional, and spatial information, amino acid conservation, physicochemical variation, residue mobility, and thermodynamic stability) indicates that this missense variant is not expected to disrupt BAP1 protein function with a negative predictive value of 80%. In summary, the available evidence is currently insufficient to determine the role of this variant in disease. Therefore, it has been classified as a Variant of Uncertain Significance.

Color Diagnostics, LLC DBA Color Health
Classification: Uncertain significance for Hereditary cancer-predisposing syndrome. Last evaluated: 2024-03-06. Review status: criteria provided, single submitter. Criteria: ACMG Guidelines, 2015. Collection method: clinical testing. Allele origin: germline.
Comment: This missense variant replaces arginine with glutamine at codon 356 of the BAP1 protein. Computational prediction is inconclusive regarding the impact of this variant on protein structure and function (internally defined REVEL score threshold 0.5 < inconclusive < 0.7, PMID: 27666373). To our knowledge, functional studies have not been reported for this variant. This variant has not been reported in individuals affected with hereditary cancer in the literature. This variant has been identified in 2/282772 chromosomes in the general population by the Genome Aggregation Database (gnomAD). The available evidence is insufficient to determine the role of this variant in disease conclusively. Therefore, this variant is classified as a Variant of Uncertain Significance.

Literature cited by the submitters: PubMed 38969833 (cited by Ambry Genetics).

NM_004656.4(BAP1):c.1067G>A (p.Arg356Gln)

Gene: BAP1 (BRCA1 associated deubiquitinase 1; minus strand). Cytogenetic location: 3p21.1.
Variant type: single nucleotide variant.
Coding change: c.1067G>A on transcript NM_004656.4 (MANE Select); coding-DNA position 1067, G replaced by A.
Protein change: p.Arg356Gln; replaces arginine 356 with glutamine.
Molecular consequence: missense variant.
Genome position (GRCh38, 1-based): chr3:52,405,159, C>T on the plus strand (G>A on the coding strand, the complement: BAP1 is on the minus strand). VCF-style: chr3-52405159-C-T. GRCh37 (hg19) VCF-style: chr3-52439175-C-T.
Other names: c.1067G>A (NM_004656.2); short protein forms R356Q.
Identifiers: ClinVar variation 854934 (VCV000854934.15), dbSNP rs1192490528, ClinGen allele CA353105582.